The following is an entry in ClinVar:

ClinVar aggregate classification (germline): Uncertain significance (0 of 4 stars; one submission).

Conditions:
PCNT-related disorder. Also called: PCNT-related condition.

gnomAD v4.1: 18 of 1,613,418 alleles (0.0011%); highest among the groups gnomAD compares: Non-Finnish European, 0.0015%; no homozygotes.

Submission:

PreventionGenetics, part of Exact Sciences
Classification: Uncertain significance for PCNT-related condition. Last evaluated: 2024-06-08. Review status: no assertion criteria provided. Collection method: clinical testing. Allele origin: germline.
Comment: The PCNT c.1685C>G variant is predicted to result in the amino acid substitution p.Ser562Cys. To our knowledge, this variant has not been reported in the literature or in a large population database, indicating this variant is rare. At this time, the clinical significance of this variant is uncertain due to the absence of conclusive functional and genetic evidence.

NM_006031.6(PCNT):c.1685C>G (p.Ser562Cys)

Gene: PCNT (pericentrin; plus strand). Cytogenetic location: 21q22.3.
Variant type: single nucleotide variant.
Coding change: c.1685C>G on transcript NM_006031.6 (MANE Select); coding-DNA position 1685, C replaced by G.
Protein change: p.Ser562Cys; replaces serine 562 with cysteine.
Molecular consequence: missense variant.
Genome position (GRCh38, 1-based): chr21:46,353,992, C>G. VCF-style: chr21-46353992-C-G. GRCh37 (hg19) VCF-style: chr21-47773906-C-G.
Other names: c.1331C>G, p.Ser444Cys (NM_001315529.2); short protein forms S444C, S562C.
Identifiers: ClinVar variation 3347890 (VCV003347890.1).